The following is an entry in ClinVar:

NC_000009.12:g.35658022_35658023insTCTCAGCTTCACAGAGACGT

Gene: RMRP (RNA component of mitochondrial RNA processing endoribonuclease; minus strand). Cytogenetic location: 9p13.3.
Variant type: Insertion.
Genome position: GRCh38 VCF-style: chr9-35658018-C-CACGTTCTCAGCTTCACAGAG. GRCh37 (hg19) VCF-style: chr9-35658015-C-CACGTTCTCAGCTTCACAGAG.
Identifiers: ClinVar variation 1066913 (VCV001066913.9), dbSNP rs1218494857, ClinGen allele CA918446897.

ClinVar aggregate classification (germline): Pathogenic (1 of 4 stars; one submission).

Conditions:
Anauxetic dysplasia. Identifiers: Orphanet 93347, MedGen C1846796, MONDO:0011773.

Submission:

Labcorp Genetics (formerly Invitae), Labcorp
Classification: Pathogenic for Anauxetic dysplasia. Last evaluated: 2025-07-08. Review status: criteria provided, single submitter. Criteria: Invitae Variant Classification Sherloc (09022015). Collection method: clinical testing. Allele origin: germline.
Comment: This variant occurs in the RMRP gene, which encodes an RNA molecule that does not result in a protein product. This variant is not present in population databases (gnomAD no frequency). While this particular variant has not been reported in the literature, it is located in the promoter region between the TATA box and the transcription initiation site, and other insertions and duplications immediately upstream of the coding sequence have been reported in individuals affected with cartilage-hair hypoplasia-anauxetic dysplasia (CHH-AD) spectrum disorders (PMID: 16244706, 11207361, 12107819). While functional studies for this variant have not been reported, experimental analyses using patient derived cells, as well as in vitro transfection studies, have shown that promoter insertions result in silencing of RMRP transcription and reduced expression of the gene product (PMID: 11207361, 16254002). For these reasons, this variant has been classified as Pathogenic.

Literature cited by the submitters: PubMed 16244706; PubMed 11207361; PubMed 12107819; PubMed 16254002.